The following is an entry in ClinVar:

NM_001394062.1(MACF1):c.15205C>A (p.Leu5069Met)

Gene: MACF1 (microtubule actin crosslinking factor 1; plus strand). Cytogenetic location: 1p34.3.
Variant type: single nucleotide variant.
Coding change: c.15205C>A on transcript NM_001394062.1 (MANE Select); coding-DNA position 15205, C replaced by A.
Protein change: p.Leu5069Met; replaces leucine 5069 with methionine.
Molecular consequence: missense variant.
Genome position (GRCh38, 1-based): chr1:39,388,047, C>A. VCF-style: chr1-39388047-C-A. GRCh37 (hg19) VCF-style: chr1-39853719-C-A.
Other names: c.9019C>A, p.Leu3007Met (NM_012090.5); short protein forms L3007M, L5069M.
Identifiers: ClinVar variation 3250426 (VCV003250426.1), dbSNP rs1557625043.

ClinVar aggregate classification (germline): Uncertain significance (1 of 4 stars; one submission).

Conditions:
Lissencephaly 9 with complex brainstem malformation. Identifiers: Orphanet 572013, MedGen C5193029, MONDO:0032677, OMIM 618325.

Submission:

Neuberg Centre For Genomic Medicine, NCGM
Classification: Uncertain significance for Lissencephaly 9 with complex brainstem malformation. Review status: criteria provided, single submitter. Criteria: ACMG Guidelines, 2015. Collection method: clinical testing. Allele origin: germline. Inheritance: Autosomal dominant inheritance. Affected: yes.
Comment: The missense c.9019C>A (p.Leu3007Met) variant in MACF1 gene has not been reported previously as a pathogenic variant nor as a benign variant, to our knowledge. The p.Leu3007Met variant is novel (not in any individuals) in gnomAD Exomes and 1000 Genomes. his variant has not been reported to the ClinVar database. The amino acid change p.Leu3007Met in MACF1 is predicted as conserved by GERP++ and PhyloP across 100 vertebrates. The amino acid Leu at position 3007 is changed to a Met changing protein sequence and it might alter its composition and physico-chemical properties. For these reasons, this variant has been classified as Variant of Uncertain Significance (VUS).